The following is an entry in ClinVar:

NM_000535.7(PMS2):c.2187C>G (p.Leu729=)

Gene: PMS2 (PMS1 homolog 2, mismatch repair system component; minus strand). Cytogenetic location: 7p22.1.
Variant type: single nucleotide variant.
Coding change: c.2187C>G on transcript NM_000535.7 (MANE Select); coding-DNA position 2187, C replaced by G.
Protein change: p.Leu729=; no amino-acid change (leucine 729 retained).
Molecular consequence: synonymous variant. On other transcripts: non-coding transcript variant (1).
Genome position (GRCh38, 1-based): chr7:5,978,684, G>C on the plus strand (C>G on the coding strand, the complement: PMS2 is on the minus strand). VCF-style: chr7-5978684-G-C. GRCh37 (hg19) VCF-style: chr7-6018315-G-C.
Other names: p.L729L:CTC>CTG; p.Leu729=; c.1782C>G, p.Leu594= (NM_001322003.2, NM_001322004.2, NM_001322005.2 and 1 more transcripts); c.2031C>G, p.Leu677= (NM_001322006.2); c.1869C>G, p.Leu623= (NM_001322007.2, NM_001322008.2); c.1626C>G, p.Leu542= (NM_001322010.2); c.1254C>G, p.Leu418= (NM_001322011.2, NM_001322012.2); c.1614C>G, p.Leu538= (NM_001322013.2); and 2 more.
Identifiers: ClinVar variation 138703 (VCV000138703.88), dbSNP rs373630535, ClinGen allele CA011039.

ClinVar aggregate classification (germline): Conflicting classifications of pathogenicity. Review status: criteria provided, conflicting classifications (1 of 4 stars). 23 submissions from 23 submitters: Uncertain significance (1); Benign (11); Likely benign (7). 4 of the submissions do not count toward it. Last evaluated 2026-09-01.

Conditions:
Hereditary nonpolyposis colorectal neoplasms. Identifiers: MedGen C0009405, MeSH D003123.
Breast and/or ovarian cancer. Identifiers: MedGen CN221562.
Hereditary cancer-predisposing syndrome. Also called: Neoplastic Syndromes, Hereditary; Tumor predisposition; Hereditary neoplastic syndrome; Hereditary Cancer Syndrome. Identifiers: Orphanet 140162, MedGen C0027672, MeSH D009386, MONDO:0015356.
Lynch syndrome. Identifiers: Orphanet 144, MedGen C4552100, MONDO:0005835. Disease mechanism: loss of function.
Lynch syndrome 4 (LYNCH4). Also called: Colorectal cancer, hereditary nonpolyposis, type 4; Hereditary non-polyposis colorectal cancer, type 4. Identifiers: Orphanet 144, MedGen C1838333, MONDO:0013699, OMIM 614337. Disease mechanism: loss of function.
Malignant tumor of breast. Also called: Malignant breast neoplasm; Cancer breast. Identifiers: MedGen C0006142, MONDO:0007254. Disease mechanism: loss of function.

Allele frequency attached by ClinVar (database versions not stated): ESP Exome Variant Server 0.00008; 1000 Genomes Project 0.00060; gnomAD 0.00077 and 0.00083; gnomAD exomes 0.00098 and 0.00149; ExAC 0.00131.
gnomAD v4.1: 2,263 of 1,581,414 alleles (0.14%); highest among the groups gnomAD compares: South Asian, 0.31%; 101 homozygotes.

Submissions (23):

CeGaT Center for Human Genetics Tuebingen
Classification: Likely benign. Last evaluated: 2026-09-01. Review status: criteria provided, single submitter. Criteria: CeGaT Center For Human Genetics Tuebingen Variant Classification Criteria Version 2. Collection method: clinical testing. Allele origin: germline. Affected: yes. Observed: 14 variant alleles.
Comment: PMS2: BP4, BP7, BS2

Labcorp Genetics (formerly Invitae), Labcorp
Classification: Benign for Hereditary nonpolyposis colorectal neoplasms. Last evaluated: 2026-01-31. Review status: criteria provided, single submitter. Criteria: Invitae Variant Classification Sherloc (09022015). Collection method: clinical testing. Allele origin: germline.

Mayo Clinic Laboratories, Mayo Clinic
Classification: Likely benign. Last evaluated: 2025-09-04. Review status: criteria provided, single submitter. Criteria: ACMG Guidelines, 2015. Collection method: clinical testing. Allele origin: germline. Observed: 3 variant alleles.
Comment: BS1, BP4, BP7

ARUP Laboratories, Molecular Genetics and Genomics, ARUP Laboratories
Classification: Benign. Last evaluated: 2025-04-24. Review status: criteria provided, single submitter. Criteria: ARUP Molecular Germline Variant Investigation Process 2024. Collection method: clinical testing. Allele origin: germline.

Center for Genomic Medicine, Rigshospitalet, Copenhagen University Hospital
Classification: Benign. Last evaluated: 2025-03-04. Review status: criteria provided, single submitter. Criteria: ACMG Guidelines, 2015. Collection method: clinical testing. Allele origin: germline.

Blueprint Genetics
Classification: Likely benign. Last evaluated: 2024-11-23. Review status: criteria provided, single submitter. Criteria: ACMG Guidelines, 2015. Collection method: clinical testing. Allele origin: germline.

Myriad Genetics, Inc.
Classification: Benign for Lynch syndrome 4. Last evaluated: 2023-04-04. Review status: criteria provided, single submitter. Criteria: Myriad Autosomal Dominant, Autosomal Recessive and X-Linked Classification Criteria (2023). Collection method: clinical testing. Allele origin: unknown.
Comment: This variant is considered benign. This variant is a silent/synonymous amino acid change and it is not expected to impact splicing.

CHEO Genetics Diagnostic Laboratory, Children's Hospital of Eastern Ontario
Classification: Likely benign for Breast and/or ovarian cancer. Last evaluated: 2022-10-06. Review status: criteria provided, single submitter. Criteria: ACMG Guidelines, 2015. Collection method: clinical testing. Allele origin: germline.

Institute for Biomarker Research, Medical Diagnostic Laboratories, L.L.C.
Classification: Benign for Hereditary cancer-predisposing syndrome. Last evaluated: 2022-09-27. Review status: criteria provided, single submitter. Criteria: ACMG Guidelines, 2015. Collection method: clinical testing. Allele origin: germline.

Quest Diagnostics Nichols Institute San Juan Capistrano
Classification: Benign. Last evaluated: 2022-09-23. Review status: criteria provided, single submitter. Criteria: Quest Diagnostics criteria. Collection method: clinical testing. Allele origin: unknown.

Sema4
Classification: Benign for Hereditary cancer-predisposing syndrome. Last evaluated: 2020-12-01. Review status: criteria provided, single submitter. Criteria: Sema4 Curation Guidelines. Collection method: curation. Allele origin: germline.

Illumina Laboratory Services, Illumina
Classification: Uncertain significance for Lynch syndrome 4. Last evaluated: 2018-02-28. Review status: criteria provided, single submitter. Criteria: ICSL Variant Classification Criteria 13 December 2019. Collection method: clinical testing. Allele origin: germline.

PreventionGenetics, part of Exact Sciences
Classification: Benign. Last evaluated: 2017-02-24. Review status: criteria provided, single submitter. Criteria: ACMG Guidelines, 2015. Collection method: clinical testing. Allele origin: germline.

Genetic Services Laboratory, University of Chicago
Classification: Likely benign. Last evaluated: 2016-06-22. Review status: criteria provided, single submitter. Criteria: ACMG Guidelines, 2015. Collection method: clinical testing. Allele origin: germline. Affected: no.

Women's Health and Genetics/Laboratory Corporation of America, LabCorp
Classification: Benign. Last evaluated: 2016-02-15. Review status: criteria provided, single submitter. Criteria: LabCorp Variant Classification Summary - May 2015. Collection method: clinical testing. Allele origin: germline.
Comment: Variant summary: The c.2187C>G variant affects a non-conserved nucleotide, resulting in no amino acid change. 5/5 programs in Alamut predict that this variant does not affect normal splicing. ESE finder predicts that this variant may affect multiple ESE sites. However, these predictions are not confirmed by experimental studies. This variant is found in 106/81156 control chromosomes (5 homozygotes) at a frequency of 0.0013061, which is about 11 times of maximal expected frequency of a pathogenic allele (0.0001136). Even considering the possibility that these occurrences may be from a PMS2 pseudogene, 5 homozygotes found in controls suggest this variant is benign. In addition, multiple clinical laboratories classified this variant as benign/likely benign. The variant of interest has not been evaluated for functional impact by in vivo/in vitro studies. Taken together, this variant was classified as benign.

Color Diagnostics, LLC DBA Color Health
Classification: Benign for Hereditary cancer-predisposing syndrome. Last evaluated: 2015-03-31. Review status: criteria provided, single submitter. Criteria: ACMG Guidelines, 2015. Collection method: clinical testing. Allele origin: germline.

Genomic Diagnostic Laboratory, Division of Genomic Diagnostics, Children's Hospital of Philadelphia
Classification: Likely benign for Lynch syndrome. Last evaluated: 2015-03-06. Review status: criteria provided, single submitter. Criteria: DGD Variant Analysis Guidelines. Collection method: clinical testing. Allele origin: unknown.

Ambry Genetics
Classification: Likely benign for Hereditary cancer-predisposing syndrome. Last evaluated: 2014-06-20. Review status: criteria provided, single submitter. Criteria: Ambry Variant Classification Scheme 2023. Collection method: clinical testing. Allele origin: germline.

GeneDx
Classification: Benign. Last evaluated: 2013-12-31. Review status: criteria provided, single submitter. Criteria: GeneDx Variant Classification (06012015). Collection method: clinical testing. Allele origin: germline. Affected: yes.
Comment: This variant is considered likely benign or benign based on one or more of the following criteria: it is a conservative change, it occurs at a poorly conserved position in the protein, it is predicted to be benign by multiple in silico algorithms, and/or has population frequency not consistent with disease.

Counsyl
Classification: Likely benign for Lynch syndrome 4. Last evaluated: 2017-12-11. Review status: no assertion criteria provided. Collection method: clinical testing. Allele origin: unknown. Not counted in ClinVar's aggregate classification.

Department of Pathology and Laboratory Medicine, Sinai Health System
Classification: Benign for Malignant tumor of breast. Review status: no assertion criteria provided. Collection method: clinical testing. Allele origin: unknown. Affected: yes. Observed: 1 variant allele. Study: The Canadian Open Genetics Repository (COGR). Not counted in ClinVar's aggregate classification.
Comment: The PMS2 p.Leu729= variant was not identified in the literature nor was it identified in Cosmic, MutDB, Zhejiang Colon Cancer Database, Mismatch Repair Genes Variant Database. The variant was identified in dbSNP (ID: rs373630535) as â€šÃ„ÃºWith other alleleâ€šÃ„Ã¹, ClinVar (as benign by GeneDx and Invitae, and as likely benign by Ambry Genetics, Children's Hospital of Philadelphia, and University of Chicago), Clinvitae (3x), Insight Colon Cancer Gene Variant Database (1x with no classification), and Insight Hereditary Tumors Database. The variant was identified in control databases in 235 of 231538 chromosomes at a frequency of 0.0010 in the following populations: African in 1 of 13584 chromosomes (freq. 0.00007), Other in 2 of 5242 chromosomes (freq. 0.0004), Latino in 16 of 32934 chromosomes (freq. 0.0005), European (Non-Finnish) in 115 (7 homozygous) of 102664 chromosomes (freq. 0.001), European (Finnish) in 1 of 21426 chromosomes (freq. 0.00005), and South Asian in 100 (3 homozygous) of 29508 chromosomes (freq. 0.003), increasing the likelihood this could be a low frequency benign variant (Genome Aggregation Consortium Feb 27, 2017). The p.Leu729= variant is not expected to have clinical significance because it does not result in a change of amino acid and is not located in a known consensus splice site. In addition, in silico or computational prediction software programs (SpliceSiteFinder, MaxEntScan, NNSPLICE, GeneSplicer, HumanSpliceFinder) do not predict a difference in splicing. In summary, based on the above information this variant meets our laboratory's criteria to be classified as benign.

Genome Diagnostics Laboratory, Amsterdam University Medical Center
Classification: Likely benign. Review status: no assertion criteria provided. Collection method: clinical testing. Allele origin: germline. Affected: yes. Study: VKGL Data-share Consensus. Not counted in ClinVar's aggregate classification.

Joint Genome Diagnostic Labs from Nijmegen and Maastricht, Radboudumc and MUMC+
Classification: Benign. Review status: no assertion criteria provided. Collection method: clinical testing. Allele origin: germline. Affected: yes. Study: VKGL Data-share Consensus. Not counted in ClinVar's aggregate classification.

Literature cited by the submitters: PubMed 20205264 (cited by 3 submitters); PubMed 27435373 (cited by Counsyl).